The following is an entry in ClinVar:

NM_001378454.1(ALMS1):c.5767G>A (p.Val1923Ile)

Gene: ALMS1 (ALMS1 centrosome and basal body associated protein; plus strand). Cytogenetic location: 2p13.1.
Variant type: single nucleotide variant.
Coding change: c.5767G>A on transcript NM_001378454.1 (MANE Select); coding-DNA position 5767, G replaced by A.
Protein change: p.Val1923Ile; replaces valine 1923 with isoleucine.
Molecular consequence: missense variant.
Genome position (GRCh38, 1-based): chr2:73,452,294, G>A. VCF-style: chr2-73452294-G-A. GRCh37 (hg19) VCF-style: chr2-73679421-G-A.
Other names: c.5770G>A, p.Val1924Ile (NM_015120.4); short protein forms V1924I, V1923I.
Identifiers: ClinVar variation 1357809 (VCV001357809.7), dbSNP rs772665115, ClinGen allele CA347283242.

ClinVar aggregate classification (germline): Uncertain significance. Review status: criteria provided, multiple submitters, no conflicts (2 of 4 stars). 2 submissions from 2 submitters: Uncertain significance (2). Last evaluated 2024-10-04.

Conditions:
Alstrom syndrome (ALMS). Identifiers: Orphanet 64, MedGen C0268425, MONDO:0008763, OMIM 203800.

Submissions (2):

GeneDx
Classification: Uncertain significance. Last evaluated: 2024-10-04. Review status: criteria provided, single submitter. Criteria: GeneDx Variant Classification Process June 2021. Collection method: clinical testing. Allele origin: germline. Affected: yes.
Comment: Not observed at significant frequency in large population cohorts (gnomAD); In silico analysis indicates that this missense variant does not alter protein structure/function; Has not been previously published as pathogenic or benign to our knowledge

Labcorp Genetics (formerly Invitae), Labcorp
Classification: Uncertain significance for Alstrom syndrome. Last evaluated: 2021-08-12. Review status: criteria provided, single submitter. Criteria: Invitae Variant Classification Sherloc (09022015). Collection method: clinical testing. Allele origin: germline.
Comment: This sequence change replaces valine with isoleucine at codon 1924 of the ALMS1 protein (p.Val1924Ile). The valine residue is moderately conserved and there is a small physicochemical difference between valine and isoleucine. This variant is not present in population databases (ExAC no frequency). This variant has not been reported in the literature in individuals affected with ALMS1-related conditions. Experimental studies and prediction algorithms are not available or were not evaluated, and the functional significance of this variant is currently unknown. In summary, the available evidence is currently insufficient to determine the role of this variant in disease. Therefore, it has been classified as a Variant of Uncertain Significance.